The following is an entry in ClinVar:

NM_018669.6(WDR4):c.1219G>C (p.Glu407Gln)

Gene: WDR4 (WDR4 tRNA N7-guanosine methyltransferase non-catalytic subunit; minus strand). Cytogenetic location: 21q22.3.
Variant type: single nucleotide variant.
Coding change: c.1219G>C on transcript NM_018669.6 (MANE Select); coding-DNA position 1219, G replaced by C.
Protein change: p.Glu407Gln; replaces glutamic acid 407 with glutamine.
Molecular consequence: missense variant. On other transcripts: non-coding transcript variant (1).
Genome position (GRCh38, 1-based): chr21:42,850,069, C>G on the plus strand (G>C on the coding strand, the complement: WDR4 is on the minus strand). VCF-style: chr21-42850069-C-G. GRCh37 (hg19) VCF-style: chr21-44270179-C-G.
Other names: c.1216G>C, p.Glu406Gln (NM_001260474.2); c.781G>C, p.Glu261Gln (NM_001260475.2, NM_001260476.2, NM_001260477.2); c.1219G>C, p.Glu407Gln (NM_033661.5); short protein forms E261Q, E407Q, E406Q.
Identifiers: ClinVar variation 1357469 (VCV001357469.6), dbSNP rs771861414, ClinGen allele CA410385935.

ClinVar aggregate classification (germline): Uncertain significance (1 of 4 stars; one submission).

Submission:

Labcorp Genetics (formerly Invitae), Labcorp
Classification: Uncertain significance. Last evaluated: 2021-12-10. Review status: criteria provided, single submitter. Criteria: Invitae Variant Classification Sherloc (09022015). Collection method: clinical testing. Allele origin: germline.
Comment: In summary, the available evidence is currently insufficient to determine the role of this variant in disease. Therefore, it has been classified as a Variant of Uncertain Significance. Algorithms developed to predict the effect of missense changes on protein structure and function output the following: SIFT: "Tolerated"; PolyPhen-2: "Benign"; Align-GVGD: "Class C0". The glutamine amino acid residue is found in multiple mammalian species, which suggests that this missense change does not adversely affect protein function. This variant has not been reported in the literature in individuals affected with WDR4-related conditions. This variant is not present in population databases (gnomAD no frequency). This sequence change replaces glutamic acid, which is acidic and polar, with glutamine, which is neutral and polar, at codon 407 of the WDR4 protein (p.Glu407Gln).